The following is an entry in ClinVar:

NM_006379.5(SEMA3C):c.1538G>A (p.Arg513His)

Gene: SEMA3C (semaphorin 3C; minus strand). Cytogenetic location: 7q21.11.
Variant type: single nucleotide variant.
Coding change: c.1538G>A on transcript NM_006379.5 (MANE Select); coding-DNA position 1538, G replaced by A.
Protein change: p.Arg513His; replaces arginine 513 with histidine.
Molecular consequence: missense variant.
Genome position (GRCh38, 1-based): chr7:80,758,436, C>T on the plus strand (G>A on the coding strand, the complement: SEMA3C is on the minus strand). VCF-style: chr7-80758436-C-T. GRCh37 (hg19) VCF-style: chr7-80387752-C-T.
Other names: c.1592G>A, p.Arg531His (NM_001350120.2); c.1364G>A, p.Arg455His (NM_001350121.2); c.1538G>A (NM_006379.3); short protein forms R455H, R513H, R531H.
Identifiers: ClinVar variation 2636168 (VCV002636168.3), dbSNP rs780071714, ClinGen allele CA4316062.
Genomic context (GRCh38, chr7:80,758,436, plus strand): 5'-GCGCAATAAGGGTCCCGCGCCAGGCAGCAGTCAGCACAGGCTGTACCATAGATGTGGCAG[C>T]GGTGCAGAGATACCTGGGAAACCCCTTCATTGGAACTCACATACAACTGTTGCTATTAAA-3'
Protein context (NP_006370.1, residues 503-523): NEGVSQVSLH[Arg513His]CHIYGTACAD

ClinVar aggregate classification (germline): Uncertain significance. Review status: criteria provided, single submitter (1 of 4 stars). 2 submissions from 2 submitters: Uncertain significance (1). 1 of the submissions does not count toward it. Last evaluated 2022-04-27.

Conditions:
SEMA3C-related disorder. Also called: SEMA3C-related condition.

Allele frequency attached by ClinVar (database versions not stated): ExAC 0.00002; gnomAD exomes 0.00006; gnomAD 0.00007; TOPMed 0.00011.

Submissions (2):

Ambry Genetics
Classification: Uncertain significance. Last evaluated: 2022-04-27. Review status: criteria provided, single submitter. Criteria: Ambry Variant Classification Scheme 2023. Collection method: clinical testing. Allele origin: germline.

PreventionGenetics, part of Exact Sciences
Classification: Uncertain significance for SEMA3C-related condition. Last evaluated: 2024-03-13. Review status: no assertion criteria provided. Collection method: clinical testing. Allele origin: germline. Not counted in ClinVar's aggregate classification.
Comment: The SEMA3C c.1592G>A variant is predicted to result in the amino acid substitution p.Arg531His. To our knowledge, this variant has not been reported in the literature. This variant is reported in 0.014% of alleles in individuals of Latino descent in gnomAD. At this time, the clinical significance of this variant is uncertain due to the absence of conclusive functional and genetic evidence.